The following is an entry in ClinVar:

ClinVar aggregate classification (germline): Pathogenic/Likely pathogenic. Review status: criteria provided, multiple submitters, no conflicts (2 of 4 stars). 3 submissions from 3 submitters: Pathogenic (1); Likely pathogenic (2). Last evaluated 2025-02-03.

Conditions:
Ataxia-telangiectasia syndrome (AT). Also called: Ataxia telangiectasia (A-T); ATAXIA-TELANGIECTASIA, COMPLEMENTATION GROUP A; ATAXIA-TELANGIECTASIA, FRESNO VARIANT; Ataxia-telangiectasia, complementation group D; AT, COMPLEMENTATION GROUP C; Ataxia-telangiectasia, complementation group E. Identifiers: Orphanet 100, MedGen C0004135, MONDO:0008840, OMIM 208900.
Hereditary cancer-predisposing syndrome. Also called: Hereditary neoplastic syndrome; Neoplastic Syndromes, Hereditary; Hereditary Cancer Syndrome; Tumor predisposition. Identifiers: Orphanet 140162, MedGen C0027672, MeSH D009386, MONDO:0015356.
Familial cancer of breast. Also called: Hereditary breast cancer; BREAST CANCER, FAMILIAL; hereditary breast carcinoma. Identifiers: Orphanet 227535, MedGen C0346153, MONDO:0016419, OMIM 114480. Disease mechanism: loss of function.

Submissions (3):

Labcorp Genetics (formerly Invitae), Labcorp
Classification: Pathogenic for Ataxia-telangiectasia syndrome. Last evaluated: 2025-02-03. Review status: criteria provided, single submitter. Criteria: Invitae Variant Classification Sherloc (09022015). Collection method: clinical testing. Allele origin: germline.
Comment: This sequence change affects an acceptor splice site in intron 7 of the ATM gene. RNA analysis indicates that disruption of this splice site induces altered splicing and may result in an absent or altered protein product. This variant is not present in population databases (gnomAD no frequency). Disruption of this splice site has been observed in individual(s) with ataxia telangiectasia (PMID: 37075885). ClinVar contains an entry for this variant (Variation ID: 1172262). Studies have shown that disruption of this splice site results in skipping of exon 8, and produces a non-functional protein and/or introduces a premature termination codon (PMID: 10330348; internal data). For these reasons, this variant has been classified as Pathogenic.

Baylor Genetics
Classification: Likely pathogenic for Familial cancer of breast. Last evaluated: 2023-04-06. Review status: criteria provided, single submitter. Criteria: ACMG Guidelines, 2015. Collection method: clinical testing. Allele origin: unknown.

Color Diagnostics, LLC DBA Color Health
Classification: Likely pathogenic for Hereditary cancer-predisposing syndrome. Last evaluated: 2020-10-13. Review status: criteria provided, single submitter. Criteria: ACMG Guidelines, 2015. Collection method: clinical testing. Allele origin: germline.
Comment: This variant causes an A to T nucleotide substitution at the -2 position of intron 7 splice acceptor site of the ATM gene. Splice site prediction tools predict that this variant may have a significant impact on RNA splicing. Although this prediction has not been confirmed in published RNA studies, this variant is expected to result in an absent or disrupted protein product. This variant has not been reported in individuals affected with hereditary cancer in the literature. This variant has not been identified in the general population by the Genome Aggregation Database (gnomAD). A different variant affecting the same splice acceptor site, c.902-1G>T, is known to be disease-causing due to its deleterious impact on RNA splicing (Clinvar variation ID: 418911). Loss of ATM function is a known mechanism of disease. Based on the available evidence, this variant is classified as Likely Pathogenic.

Literature cited by the submitters: PubMed 37075885 (cited by Labcorp Genetics (formerly Invitae), Labcorp); PubMed 10330348 (cited by Labcorp Genetics (formerly Invitae), Labcorp).

NM_000051.4(ATM):c.902-2A>T

Gene: ATM (ATM serine/threonine kinase; plus strand). Cytogenetic location: 11q22.3.
Variant type: single nucleotide variant.
Coding change: c.902-2A>T on transcript NM_000051.4 (MANE Select); the canonical splice acceptor site of the intron before coding-DNA position 902, A replaced by T.
Molecular consequence: splice acceptor variant.
Genome position (GRCh38, 1-based): chr11:108,246,962, A>T. VCF-style: chr11-108246962-A-T. GRCh37 (hg19) VCF-style: chr11-108117689-A-T.
Other names: c.902-2A>T (NM_001351834.2).
Identifiers: ClinVar variation 1172262 (VCV001172262.4), dbSNP rs2079877131, ClinGen allele CA382530396.
Genomic context (GRCh38, chr11:108,246,962, plus strand): 5'-GGAGCTAGCAGTGTAAACAGAGTACATACATAAAAATTACATTTTAATTTTTTGGATTAC[A>T]GGTGCTTATGAATCAACAAAATGGAGAAGTATTTTATACAACTTATATGATCTGCTAGTG-3'